The following is an entry in ClinVar:

ClinVar aggregate classification (germline): Conflicting classifications of pathogenicity. Review status: criteria provided, conflicting classifications (1 of 4 stars). 2 submissions from 2 submitters: Likely pathogenic (1); Uncertain significance (1). Last evaluated 2025-05-02.

Conditions:
Familial adenomatous polyposis 2. Also called: MYH-associated polyposis; Adenomas, multiple colorectal; COLORECTAL ADENOMATOUS POLYPOSIS, AUTOSOMAL RECESSIVE; ADENOMAS, MULTIPLE COLORECTAL, AUTOSOMAL RECESSIVE; FAP type 2; MUTYH Polyposis. Identifiers: Orphanet 220460, Orphanet 247798, MedGen C3272841, MONDO:0012041, OMIM 608456.
Hereditary cancer-predisposing syndrome. Also called: Tumor predisposition; Neoplastic Syndromes, Hereditary; Hereditary Cancer Syndrome; Hereditary neoplastic syndrome. Identifiers: Orphanet 140162, MedGen C0027672, MeSH D009386, MONDO:0015356.

Submissions (2):

Labcorp Genetics (formerly Invitae), Labcorp
Classification: Likely pathogenic for Familial adenomatous polyposis 2. Last evaluated: 2025-05-02. Review status: criteria provided, single submitter. Criteria: Invitae Variant Classification Sherloc (09022015). Collection method: clinical testing. Allele origin: germline.
Comment: This sequence change replaces leucine, which is neutral and non-polar, with valine, which is neutral and non-polar, at codon 111 of the MUTYH protein (p.Leu111Val). This variant is not present in population databases (gnomAD no frequency). This missense change has been observed in individual(s) with MUTYH-associated polyposis (PMID: 24470512). In at least one individual the data is consistent with being in trans (on the opposite chromosome) from a pathogenic variant. ClinVar contains an entry for this variant (Variation ID: 1479254). An algorithm developed to predict the effect of missense changes on protein structure and function (PolyPhen-2) suggests that this variant is likely to be disruptive. This variant disrupts the p.Leu111 amino acid residue in MUTYH. Other variant(s) that disrupt this residue have been determined to be pathogenic (PMID: 29406563; internal data). This suggests that this residue is clinically significant, and that variants that disrupt this residue are likely to be disease-causing. In summary, the currently available evidence indicates that the variant is pathogenic, but additional data are needed to prove that conclusively. Therefore, this variant has been classified as Likely Pathogenic.

Molecular Diagnostics Laboratory, Catalan Institute of Oncology
Classification: Uncertain significance for Hereditary cancer-predisposing syndrome. Last evaluated: 2024-09-15. Review status: criteria provided, single submitter. Criteria: ACMG Guidelines, 2015. Collection method: clinical testing. Allele origin: germline.
Comment: PP3_moderate, PM2_Supporting c.331C>G, located in exon 3 of the MUTYH gene, is predicted to result in the substitution of leucine by valine at codon 111, p.(Leu111Val). This position is outside a (potentially) clinically important functional domain . It is not present in the population database gnomAD v2.1.1, non cancer dataset (PM2_supporting). The SpliceAI algorithm predicts no significant impact on splicing. The REVEL meta-predictor score for this variant (0.905) suggests a deleterious effect on protein function according to Pejaver 2022 thresholds (PMID: 36413997) (PP3_Moderate. To our knowledge, neither relevant clinical data nor well-stablished functional studies have been reported for this variant. This variant has only been reported once in ClinVar, as a likely pathogenic variant, but it has not been identified either in InSiGHT or in LOVD databases. Based on currently available information, the variant c.331C>G should be considered an uncertain significance variant.

Literature cited by the submitters: PubMed 24470512 (cited by Labcorp Genetics (formerly Invitae), Labcorp); PubMed 29406563 (cited by Labcorp Genetics (formerly Invitae), Labcorp).

NM_001048174.2(MUTYH):c.247C>G (p.Leu83Val)

Gene: MUTYH (mutY DNA glycosylase; minus strand). Cytogenetic location: 1p34.1.
Variant type: single nucleotide variant.
Coding change: c.247C>G on transcript NM_001048174.2 (MANE Select); coding-DNA position 247, C replaced by G.
Protein change: p.Leu83Val; replaces leucine 83 with valine.
Molecular consequence: missense variant. On other transcripts: 5 prime UTR variant (4), non-coding transcript variant (2).
Genome position (GRCh38, 1-based): chr1:45,333,430, G>C on the plus strand (C>G on the coding strand, the complement: MUTYH is on the minus strand). VCF-style: chr1-45333430-G-C. GRCh37 (hg19) VCF-style: chr1-45799102-G-C.
Other names: c.247C>G, p.Leu83Val (NM_001048171.2, NM_001048173.2, NM_001293195.2); c.250C>G, p.Leu84Val (NM_001048172.2); c.331C>G, p.Leu111Val (NM_001128425.2); c.292C>G, p.Leu98Val (NM_001293190.2); c.280C>G, p.Leu94Val (NM_001293191.2); c.-30C>G (NM_001293192.2, NM_001293196.2); c.-25C>G (NM_001350650.2, NM_001350651.2); c.322C>G, p.Leu108Val (NM_012222.3); short protein forms L111V, L84V, L108V, L83V, L94V, L98V.
Identifiers: ClinVar variation 1479254 (VCV001479254.9), dbSNP rs2149172338, ClinGen allele CA340136363.
Genomic context (GRCh38, chr1:45,333,430, plus strand): 5'-GTGCCTGCCTCCCACCCACTGTCCCTGCTCCTCGCCTGCCTACCCGTCTTCTCCATGGTA[G>C]GTCCCGTTTCTCTTGGTCGTACCAGCTTAGCAGGCTCCCTCGGAAGGCTGTGACTTCAGC-3'
Protein context (NP_001041639.1, residues 73-93): LSWYDQEKRD[Leu83Val]PWRRRAEDEM